The following is an entry in ClinVar:

ClinVar aggregate classification (germline): Conflicting classifications of pathogenicity. Review status: criteria provided, conflicting classifications (1 of 4 stars). 2 submissions from 2 submitters: Pathogenic (1); Uncertain significance (1). Last evaluated 2024-03-13.

Conditions:
Inborn genetic diseases. Identifiers: MedGen C0950123, MeSH D030342.
Maple syrup urine disease (MSUD). Identifiers: Orphanet 511, MedGen C0024776, MeSH D008375, MONDO:0009563. Disease mechanism: loss of function.

Allele frequency attached by ClinVar (database versions not stated): ExAC 0.00002; gnomAD 0.00002; TOPMed 0.00002; gnomAD exomes 0.00005.

Submissions (2):

Labcorp Genetics (formerly Invitae), Labcorp
Classification: Pathogenic for Maple syrup urine disease. Last evaluated: 2024-03-13. Review status: criteria provided, single submitter. Criteria: Invitae Variant Classification Sherloc (09022015). Collection method: clinical testing. Allele origin: germline.
Comment: This sequence change replaces arginine, which is basic and polar, with tryptophan, which is neutral and slightly polar, at codon 127 of the BCKDHA protein (p.Arg127Trp). This variant is present in population databases (rs779792601, gnomAD 0.01%). This missense change has been observed in individual(s) with maple syrup urine disease (Invitae). In at least one individual the data is consistent with being in trans (on the opposite chromosome) from a pathogenic variant. ClinVar contains an entry for this variant (Variation ID: 2058514). Advanced modeling of protein sequence and biophysical properties (such as structural, functional, and spatial information, amino acid conservation, physicochemical variation, residue mobility, and thermodynamic stability) performed at Invitae indicates that this missense variant is expected to disrupt BCKDHA protein function with a positive predictive value of 95%. For these reasons, this variant has been classified as Pathogenic.

Ambry Genetics
Classification: Uncertain significance for Inborn genetic diseases. Last evaluated: 2023-05-05. Review status: criteria provided, single submitter. Criteria: Ambry Variant Classification Scheme 2023. Collection method: clinical testing. Allele origin: germline.

NM_000709.4(BCKDHA):c.379C>T (p.Arg127Trp)

Gene: BCKDHA (branched chain keto acid dehydrogenase E1 subunit alpha; plus strand). Cytogenetic location: 19q13.2.
Variant type: single nucleotide variant.
Coding change: c.379C>T on transcript NM_000709.4 (MANE Select); coding-DNA position 379, C replaced by T.
Protein change: p.Arg127Trp; replaces arginine 127 with tryptophan.
Molecular consequence: missense variant.
Genome position (GRCh38, 1-based): chr19:41,414,052, C>T. VCF-style: chr19-41414052-C-T. GRCh37 (hg19) VCF-style: chr19-41919957-C-T.
Other names: c.379C>T (NM_000709.3); c.379C>T, p.Arg127Trp (NM_001164783.2); short protein forms R127W.
Identifiers: ClinVar variation 2058514 (VCV002058514.6), dbSNP rs779792601, ClinGen allele CA9461126.